The following is an entry in ClinVar:

ClinVar aggregate classification (germline): Pathogenic (1 of 4 stars; one submission).

Allele frequency attached by ClinVar (database versions not stated): gnomAD exomes below 0.00001.
gnomAD v4.1: 4 of 1,613,858 alleles (0.00025%); highest among the groups gnomAD compares: Non-Finnish European, 0.00034%; no homozygotes.

Submission:

Labcorp Genetics (formerly Invitae), Labcorp
Classification: Pathogenic. Last evaluated: 2025-01-06. Review status: criteria provided, single submitter. Criteria: Invitae Variant Classification Sherloc (09022015). Collection method: clinical testing. Allele origin: germline.
Comment: This sequence change creates a premature translational stop signal (p.Gln2601*) in the ADGRV1 gene. It is expected to result in an absent or disrupted protein product. Loss-of-function variants in ADGRV1 are known to be pathogenic (PMID: 19357117, 22135276, 22147658, 26226137, 30718709, 31047384, 32467589). This variant is present in population databases (no rsID available, gnomAD 0.0009%). This variant has not been reported in the literature in individuals affected with ADGRV1-related conditions. ClinVar contains an entry for this variant (Variation ID: 1073798). For these reasons, this variant has been classified as Pathogenic.

Literature cited by the submitters: PubMed 19357117; PubMed 22135276; PubMed 22147658; PubMed 26226137; PubMed 30718709; PubMed 31047384; PubMed 32467589.

NM_032119.4(ADGRV1):c.7801C>T (p.Gln2601Ter)

Gene: ADGRV1 (adhesion G protein-coupled receptor V1; plus strand). Cytogenetic location: 5q14.3.
Variant type: single nucleotide variant.
Coding change: c.7801C>T on transcript NM_032119.4 (MANE Select); coding-DNA position 7801, C replaced by T.
Protein change: p.Gln2601Ter; replaces glutamine 2601 with a stop codon.
Molecular consequence: nonsense. On other transcripts: non-coding transcript variant (1).
Genome position (GRCh38, 1-based): chr5:90,694,557, C>T. VCF-style: chr5-90694557-C-T. GRCh37 (hg19) VCF-style: chr5-89990374-C-T.
Other names: short protein forms Q2601*.
Identifiers: ClinVar variation 1073798 (VCV001073798.7), dbSNP rs1404368172, ClinGen allele CA360381566.